The following is an entry in ClinVar:

ClinVar aggregate classification (germline): Pathogenic (1 of 4 stars; one submission).

Submission:

Labcorp Genetics (formerly Invitae), Labcorp
Classification: Pathogenic. Last evaluated: 2024-01-09. Review status: criteria provided, single submitter. Criteria: Invitae Variant Classification Sherloc (09022015). Collection method: clinical testing. Allele origin: germline.
Comment: This sequence change creates a premature translational stop signal (p.Val2397*) in the ADGRV1 gene. It is expected to result in an absent or disrupted protein product. Loss-of-function variants in ADGRV1 are known to be pathogenic (PMID: 19357117, 22135276, 22147658, 26226137, 30718709, 31047384, 32467589). This variant is not present in population databases (gnomAD no frequency). This variant has not been reported in the literature in individuals affected with ADGRV1-related conditions. Algorithms developed to predict the effect of sequence changes on RNA splicing suggest that this variant may disrupt the consensus splice site. For these reasons, this variant has been classified as Pathogenic.

Literature cited by the submitters: PubMed 19357117; PubMed 22135276; PubMed 22147658; PubMed 26226137; PubMed 30718709; PubMed 31047384; PubMed 32467589.

NM_032119.4(ADGRV1):c.7186_7187dup (p.Val2396_Val2397insTer)

Gene: ADGRV1 (adhesion G protein-coupled receptor V1; plus strand). Cytogenetic location: 5q14.3.
Variant type: Duplication.
Coding change: c.7186_7187dup on transcript NM_032119.4 (MANE Select); coding-DNA positions 7186 to 7187, 2 bases duplicated (GT; older notation c.7186_7187dupGT).
Protein change: p.Val2396_Val2397insTer.
Molecular consequence: frameshift variant. On other transcripts: non-coding transcript variant (1).
Genome position (GRCh38, 1-based): chr5:90,693,942-90,693,943, GT duplicated; duplicating any 2 consecutive bases within chr5:90,693,941-90,693,943 gives the same sequence; the c. name uses the placement nearest the transcript's 3' end. VCF-style (leftmost placement, unchanged base first): chr5-90693940-A-ATG. GRCh37 (hg19) VCF-style: chr5-89989757-A-ATG.
Identifiers: ClinVar variation 2707089 (VCV002707089.3), dbSNP rs2530945305, ClinGen allele CA2697546300.